The following is an entry in ClinVar:

ClinVar aggregate classification (germline): Pathogenic (1 of 4 stars; one submission).

Conditions:
Galactosylceramide beta-galactosidase deficiency. Also called: Leukodystrophy, Globoid Cell; GALACTOCEREBROSIDASE DEFICIENCY; GALC DEFICIENCY; GLOBOID CELL LEUKOENCEPHALOPATHY; Krabbe Disease. Identifiers: Orphanet 487, MedGen C0023521, MONDO:0009499, OMIM 245200.

Allele frequency attached by ClinVar (database versions not stated): gnomAD exomes below 0.00001.

Submission:

Labcorp Genetics (formerly Invitae), Labcorp
Classification: Pathogenic for Galactosylceramide beta-galactosidase deficiency. Last evaluated: 2022-04-01. Review status: criteria provided, single submitter. Criteria: Invitae Variant Classification Sherloc (09022015). Collection method: clinical testing. Allele origin: germline.
Comment: This sequence change creates a premature translational stop signal (p.Gln441*) in the GALC gene. It is expected to result in an absent or disrupted protein product. Loss-of-function variants in GALC are known to be pathogenic (PMID: 7437911, 9272171, 16607461). This variant is not present in population databases (gnomAD no frequency). This premature translational stop signal has been observed in individual(s) with hereditary leukodystrophies (PMID: 31885218). Algorithms developed to predict the effect of sequence changes on RNA splicing suggest that this variant may disrupt the consensus splice site. For these reasons, this variant has been classified as Pathogenic.

Literature cited by the submitters: PubMed 7437911; PubMed 9272171; PubMed 16607461; PubMed 31885218.

NM_000153.4(GALC):c.1321C>T (p.Gln441Ter)

Gene: GALC (galactosylceramidase; minus strand). Cytogenetic location: 14q31.3.
Variant type: single nucleotide variant.
Coding change: c.1321C>T on transcript NM_000153.4 (MANE Select); coding-DNA position 1321, C replaced by T.
Protein change: p.Gln441Ter; replaces glutamine 441 with a stop codon.
Molecular consequence: nonsense.
Genome position (GRCh38, 1-based): chr14:87,949,862, G>A on the plus strand (C>T on the coding strand, the complement: GALC is on the minus strand). VCF-style: chr14-87949862-G-A. GRCh37 (hg19) VCF-style: chr14-88416206-G-A.
Other names: c.1252C>T, p.Gln418Ter (NM_001201401.2); c.1243C>T, p.Gln415Ter (NM_001201402.2); short protein forms Q415*, Q418*, Q441*.
Identifiers: ClinVar variation 1917994 (VCV001917994.5), dbSNP rs1885230326, ClinGen allele CA390746735.
Genomic context (GRCh38, chr14:87,949,862, plus strand): 5'-ACTGTTGGAATACCCAAAATATAAGAATTTACTTTAAAATTACCCATAGAGAATCCAGCT[G>A]CTTAAAAAGAAATCTTTCGGATGTTTTTCCAAGTTTGGTATACCATACCTGTAGCTCTGG-3'